The following is an entry in ClinVar:

NM_001273.5(CHD4):c.1409C>T (p.Ser470Phe)

Gene: CHD4 (chromodomain helicase DNA binding protein 4; minus strand). Cytogenetic location: 12p13.31.
Variant type: single nucleotide variant.
Coding change: c.1409C>T on transcript NM_001273.5 (MANE Select); coding-DNA position 1409, C replaced by T.
Protein change: p.Ser470Phe; replaces serine 470 with phenylalanine.
Molecular consequence: missense variant.
Genome position (GRCh38, 1-based): chr12:6,599,846, G>A on the plus strand (C>T on the coding strand, the complement: CHD4 is on the minus strand). VCF-style: chr12-6599846-G-A. GRCh37 (hg19) VCF-style: chr12-6709012-G-A.
Other names: c.1388C>T, p.Ser463Phe (NM_001297553.2); c.1370C>T, p.Ser457Phe (NM_001363606.2); short protein forms S457F, S463F, S470F.
Identifiers: ClinVar variation 3343123 (VCV003343123.1).

ClinVar aggregate classification (germline): Pathogenic (1 of 4 stars; one submission).

Submission:

GeneDx
Classification: Pathogenic. Last evaluated: 2024-03-27. Review status: criteria provided, single submitter. Criteria: GeneDx Variant Classification Process June 2021. Collection method: clinical testing. Allele origin: germline. Affected: yes.
Comment: Not observed at significant frequency in large population cohorts (gnomAD); In silico analysis supports that this missense variant has a deleterious effect on protein structure/function; This variant is associated with the following publications: (PMID: 31388190)